The following is an entry in ClinVar:

NM_001374736.1(DST):c.17232A>C (p.Gln5744His)

Gene: DST (dystonin; minus strand). Cytogenetic location: 6p12.1.
Variant type: single nucleotide variant.
Coding change: c.17232A>C on transcript NM_001374736.1 (MANE Select); coding-DNA position 17232, A replaced by C.
Protein change: p.Gln5744His; replaces glutamine 5744 with histidine.
Molecular consequence: missense variant.
Genome position (GRCh38, 1-based): chr6:56,530,010, T>G on the plus strand (A>C on the coding strand, the complement: DST is on the minus strand). VCF-style: chr6-56530010-T-G. GRCh37 (hg19) VCF-style: chr6-56394808-T-G.
Other names: c.10875A>C, p.Gln3625His (NM_001144769.5); c.10461A>C, p.Gln3487His (NM_001144770.2); c.17232A>C, p.Gln5744His (NM_001374722.1); c.16599A>C, p.Gln5533His (NM_001374729.1); c.10341A>C, p.Gln3447His (NM_001374730.1, NM_183380.4); c.17259A>C, p.Gln5753His (NM_001374734.1); c.9363A>C, p.Gln3121His (NM_015548.5); short protein forms Q3625H, Q3121H, Q3447H, Q3487H, Q5533H, Q5744H, Q5753H.
Identifiers: ClinVar variation 969459 (VCV000969459.10), dbSNP rs1156755669, ClinGen allele CA364509217.
Genomic context (GRCh38, chr6:56,530,010, plus strand): 5'-GCTAATGTGTGATTTATATCTTACTTTGTGCTGTGCAATTTGTTCCTCAAGTTTAGATGC[T>G]TGGGTTCCTATGGGTTCACAATTCACCAGCCTCTTTTCTATGGTTGTAAGCCACTCGTTC-3'
Protein context (NP_001361665.1, residues 5734-5754): RLVNCEPIGT[Gln5744His]ASKLEEQIAQ

ClinVar aggregate classification (germline): Uncertain significance (1 of 4 stars; one submission).

Conditions:
Epidermolysis bullosa simplex 3, localized or generalized intermediate, with BP230 deficiency (EBS3). Also called: Epidermolysis bullosa simplex, autosomal recessive 2; Epidermolysis bullosa simplex due to BP230 deficiency. Identifiers: Orphanet 412181, MedGen C3809470, MONDO:0014180, OMIM 615425.
Hereditary sensory and autonomic neuropathy type 6. Also called: Neuropathy, hereditary sensory and autonomic, type VI; HSAN VI. Identifiers: Orphanet 314381, MedGen C3539003, MONDO:0013839, OMIM 614653.

Allele frequency attached by ClinVar (database versions not stated): TOPMed below 0.00001.

Submission:

Labcorp Genetics (formerly Invitae), Labcorp
Classification: Uncertain significance for Epidermolysis bullosa simplex 3, localized or generalized intermediate, with BP230 deficiency; Hereditary sensory and autonomic neuropathy type 6. Last evaluated: 2022-02-10. Review status: criteria provided, single submitter. Criteria: Invitae Variant Classification Sherloc (09022015). Collection method: clinical testing. Allele origin: germline.
Comment: In summary, the available evidence is currently insufficient to determine the role of this variant in disease. Therefore, it has been classified as a Variant of Uncertain Significance. This variant is not present in population databases (gnomAD no frequency). This variant has not been reported in the literature in individuals affected with DST-related conditions. This sequence change replaces glutamine, which is neutral and polar, with histidine, which is basic and polar, at codon 3121 of the DST protein (p.Gln3121His). The DST gene has multiple clinically relevant transcripts. This variant occurs in alternate transcript NM_015548.4, and corresponds to NM_001723.5:c.*85507A>C in the primary transcript.